The following is an entry in ClinVar:

ClinVar aggregate classification (germline): Pathogenic (1 of 4 stars; one submission).

Submission:

Labcorp Genetics (formerly Invitae), Labcorp
Classification: Pathogenic. Last evaluated: 2025-09-17. Review status: criteria provided, single submitter. Criteria: Invitae Variant Classification Sherloc (09022015). Collection method: clinical testing. Allele origin: germline.
Comment: This sequence change creates a premature translational stop signal (p.Gln866Glyfs*14) in the ALPK3 gene. It is expected to result in an absent or disrupted protein product. Loss-of-function variants in ALPK3 are known to be pathogenic (PMID: 21441111, 26846950, 27106955, 34263907). This variant is not present in population databases (gnomAD no frequency). This variant has not been reported in the literature in individuals affected with ALPK3-related conditions. For these reasons, this variant has been classified as Pathogenic.

Literature cited by the submitters: PubMed 21441111; PubMed 26846950; PubMed 27106955; PubMed 34263907.

NM_020778.5(ALPK3):c.1990_1991del (p.Gln664fs)

Gene: ALPK3 (alpha kinase 3; plus strand). Cytogenetic location: 15q25.3.
Variant type: Microsatellite.
Coding change: c.1990_1991del on transcript NM_020778.5 (MANE Select); coding-DNA positions 1990 to 1991, 2 bases deleted (CA; older notation c.1990_1991delCA).
Protein change: p.Gln664fs; shifts the reading frame from glutamine 664.
Molecular consequence: frameshift variant.
Genome position (GRCh38, 1-based): chr15:84,856,728-84,856,729, CA deleted; deleting any 2 consecutive bases within chr15:84,856,725-84,856,729 gives the same sequence; the c. name uses the placement nearest the transcript's 3' end. VCF-style (leftmost placement, unchanged base first): chr15-84856724-GAC-G. GRCh37 (hg19) VCF-style: chr15-85399955-GAC-G.
Other names: short protein forms Q664fs.
Identifiers: ClinVar variation 4726639 (VCV004726639.1).